The following is an entry in ClinVar:

NM_001035.3(RYR2):c.7513-4T>C

Gene: RYR2 (ryanodine receptor 2; plus strand). Cytogenetic location: 1q43.
Variant type: single nucleotide variant.
Coding change: c.7513-4T>C on transcript NM_001035.3 (MANE Select); 4 bases into the intron before coding-DNA position 7513, T replaced by C.
Molecular consequence: intron variant.
Genome position (GRCh38, 1-based): chr1:237,649,873, T>C. VCF-style: chr1-237649873-T-C. GRCh37 (hg19) VCF-style: chr1-237813173-T-C.
Identifiers: ClinVar variation 921444 (VCV000921444.5), dbSNP rs751840788, ClinGen allele CA087417.
Genomic context (GRCh38, chr1:237,649,873, plus strand): 5'-AATCCCTTTGAAGATTATCTACTGCCAAACACAAATGGCCTTCTACTCTCTGATTCTTTT[T>C]CAGGCAGCTTTGAGTGCTACAGACATGGCCTTGGCCCTCAATCGGTACCTTTGCACAGCC-3'

ClinVar aggregate classification (germline): Likely benign. Review status: criteria provided, multiple submitters, no conflicts (2 of 4 stars). 3 submissions from 3 submitters: Likely benign (3). Last evaluated 2025-08-28.

Conditions:
Catecholaminergic polymorphic ventricular tachycardia (CVPT). Also called: Catecholamine-induced polymorphic ventricular tachycardia. Identifiers: Orphanet 3286, MedGen C5574922, MONDO:0017990.
Cardiomyopathy (CMYO). Also called: Cardiomyopathies. Identifiers: Orphanet 167848, MedGen C0878544, MONDO:0004994, HP:0001638. Inheritance: Various modes of inheritance.
Catecholaminergic polymorphic ventricular tachycardia 1. Also called: VENTRICULAR TACHYCARDIA, CATECHOLAMINERGIC POLYMORPHIC, 1, WITH OR WITHOUT ATRIAL DYSFUNCTION AND/OR DILATED CARDIOMYOPATHY; RYR2-Related Catecholaminergic Polymorphic Ventricular Tachycardia; VENTRICULAR TACHYCARDIA, STRESS-INDUCED POLYMORPHIC 1. Identifiers: Orphanet 3286, MedGen C1631597, MONDO:0011484, OMIM 604772.

Allele frequency attached by ClinVar (database versions not stated): gnomAD exomes below 0.00001 and 0.00001; ExAC 0.00001; TOPMed 0.00001.
gnomAD v4.1: 2 of 1,612,188 alleles (0.00012%); highest among the groups gnomAD compares: Admixed American, 0.0033%; no homozygotes.

Submissions (3):

Labcorp Genetics (formerly Invitae), Labcorp
Classification: Likely benign for Catecholaminergic polymorphic ventricular tachycardia 1. Last evaluated: 2025-08-28. Review status: criteria provided, single submitter. Criteria: Invitae Variant Classification Sherloc (09022015). Collection method: clinical testing. Allele origin: germline.

All of Us Research Program, National Institutes of Health
Classification: Likely benign for Catecholaminergic polymorphic ventricular tachycardia. Last evaluated: 2024-04-16. Review status: criteria provided, single submitter. Criteria: ACMG Guidelines, 2015. Collection method: clinical testing. Allele origin: germline. Inheritance: Autosomal dominant inheritance. Observed: 1 variant allele, 1 heterozygote.
Comment: This study involves interpretation of variants in research participants for the purpose of population health screening. Participant phenotype was not available at the time of variant classification. Additional details can be found in publication PMID: 35346344, PMCID: PMC8962531

Color Diagnostics, LLC DBA Color Health
Classification: Likely benign for Cardiomyopathy. Last evaluated: 2018-11-16. Review status: criteria provided, single submitter. Criteria: ACMG Guidelines, 2015. Collection method: clinical testing. Allele origin: germline.